The following is an entry in ClinVar:

NM_182943.3(PLOD2):c.475A>T (p.Ile159Phe)

Genes: PLOD2 (procollagen-lysine,2-oxoglutarate 5-dioxygenase 2; minus strand), LOC129389144 (MPRA-validated peak4856 silencer; plus strand). Cytogenetic location: 3q24.
Variant type: single nucleotide variant.
Coding change: c.475A>T on transcript NM_182943.3 (MANE Select); coding-DNA position 475, A replaced by T.
Protein change: p.Ile159Phe; replaces isoleucine 159 with phenylalanine.
Molecular consequence: missense variant.
Genome position (GRCh38, 1-based): chr3:146,110,312, T>A on the plus strand (A>T on the coding strand, the complement: PLOD2 is on the minus strand). VCF-style: chr3-146110312-T-A. GRCh37 (hg19) VCF-style: chr3-145828099-T-A.
Other names: c.475A>T, p.Ile159Phe (NM_000935.3); c.475A>T (NM_000935.2); short protein forms I159F.
Identifiers: ClinVar variation 1422099 (VCV001422099.9), dbSNP rs768122346, ClinGen allele CA2655241.

ClinVar aggregate classification (germline): Uncertain significance. Review status: criteria provided, multiple submitters, no conflicts (2 of 4 stars). 3 submissions from 3 submitters: Uncertain significance (3). Last evaluated 2023-12-22.

Conditions:
Osteogenesis imperfecta (OI). Identifiers: Orphanet 666, MedGen C0029434, MeSH D010013, MONDO:0019019.
Inborn genetic diseases. Identifiers: MedGen C0950123, MeSH D030342.

Allele frequency attached by ClinVar (database versions not stated): TOPMed 0.00006; gnomAD exomes 0.00008; ExAC 0.00010.
gnomAD v4.1: 57 of 1,613,784 alleles (0.0035%); highest among the groups gnomAD compares: South Asian, 0.027%; no homozygotes.

Submissions (3):

Ambry Genetics
Classification: Uncertain significance for Inborn genetic diseases. Last evaluated: 2023-12-22. Review status: criteria provided, single submitter. Criteria: Ambry Variant Classification Scheme 2023. Collection method: clinical testing. Allele origin: germline.

Labcorp Genetics (formerly Invitae), Labcorp
Classification: Uncertain significance. Last evaluated: 2021-09-17. Review status: criteria provided, single submitter. Criteria: Invitae Variant Classification Sherloc (09022015). Collection method: clinical testing. Allele origin: germline.
Comment: This sequence change replaces isoleucine with phenylalanine at codon 159 of the PLOD2 protein (p.Ile159Phe). The isoleucine residue is moderately conserved and there is a small physicochemical difference between isoleucine and phenylalanine. This variant is present in population databases (rs768122346, ExAC 0.05%). This variant has not been reported in the literature in individuals affected with PLOD2-related conditions. Algorithms developed to predict the effect of missense changes on protein structure and function output the following: SIFT: "Tolerated"; PolyPhen-2: "Benign"; Align-GVGD: "Class C0". The phenylalanine amino acid residue is found in multiple mammalian species, which suggests that this missense change does not adversely affect protein function. In summary, the available evidence is currently insufficient to determine the role of this variant in disease. Therefore, it has been classified as a Variant of Uncertain Significance.

Genome Diagnostics Laboratory, The Hospital for Sick Children
Classification: Uncertain significance for Osteogenesis imperfecta. Last evaluated: 2020-12-31. Review status: criteria provided, single submitter. Criteria: ACMG Guidelines, 2015. Collection method: clinical testing. Allele origin: germline.